The following is an entry in ClinVar:

NM_000321.3(RB1):c.1424A>G (p.Lys475Arg)

Gene: RB1 (RB transcriptional corepressor 1; plus strand). Cytogenetic location: 13q14.2.
Variant type: single nucleotide variant.
Coding change: c.1424A>G on transcript NM_000321.3 (MANE Select); coding-DNA position 1424, A replaced by G.
Protein change: p.Lys475Arg; replaces lysine 475 with arginine.
Molecular consequence: missense variant.
Genome position (GRCh38, 1-based): chr13:48,380,167, A>G. VCF-style: chr13-48380167-A-G. GRCh37 (hg19) VCF-style: chr13-48954303-A-G.
Other names: short protein forms K475R.
Identifiers: ClinVar variation 845086 (VCV000845086.9), dbSNP rs1593456261, ClinGen allele CA388162761.

ClinVar aggregate classification (germline): Uncertain significance. Review status: criteria provided, multiple submitters, no conflicts (2 of 4 stars). 2 submissions from 2 submitters: Uncertain significance (2). Last evaluated 2026-06-03.

Conditions:
Hereditary cancer-predisposing syndrome. Also called: Tumor predisposition; Neoplastic Syndromes, Hereditary; Hereditary neoplastic syndrome; Hereditary Cancer Syndrome. Identifiers: Orphanet 140162, MedGen C0027672, MeSH D009386, MONDO:0015356.
Retinoblastoma (RB1). Also called: RETINOBLASTOMA, SOMATIC. Identifiers: Orphanet 790, MedGen C0035335, MeSH D012175, MONDO:0008380, OMIM 180200, HP:0009919. Disease mechanism: loss of function. Inheritance: Both sporadic and heritable forms are tested..

Submissions (2):

Ambry Genetics
Classification: Uncertain significance for Hereditary cancer-predisposing syndrome. Last evaluated: 2026-06-03. Review status: criteria provided, single submitter. Criteria: Ambry Variant Classification Scheme 2023. Collection method: clinical testing. Allele origin: germline.
Comment: The p.K475R variant (also known as c.1424A>G), located in coding exon 16 of the RB1 gene, results from an A to G substitution at nucleotide position 1424. The lysine at codon 475 is replaced by arginine, an amino acid with highly similar properties. In silico splice site analysis predicts that this alteration will result in the creation or strengthening of a novel splice acceptor site; however, direct evidence is insufficient at this time (Ambry internal data). In addition, the in silico prediction for this alteration is inconclusive. Based on the available evidence, the clinical significance of this variant remains unclear.

Labcorp Genetics (formerly Invitae), Labcorp
Classification: Uncertain significance for Retinoblastoma. Last evaluated: 2025-06-09. Review status: criteria provided, single submitter. Criteria: Invitae Variant Classification Sherloc (09022015). Collection method: clinical testing. Allele origin: germline.
Comment: This sequence change replaces lysine, which is basic and polar, with arginine, which is basic and polar, at codon 475 of the RB1 protein (p.Lys475Arg). This variant is not present in population databases (gnomAD no frequency). This variant has not been reported in the literature in individuals affected with RB1-related conditions. ClinVar contains an entry for this variant (Variation ID: 845086). An algorithm developed to predict the effect of missense changes on protein structure and function (PolyPhen-2) suggests that this variant is likely to be disruptive. Algorithms developed to predict the effect of sequence changes on RNA splicing suggest that this variant may create or strengthen a splice site. In summary, the available evidence is currently insufficient to determine the role of this variant in disease. Therefore, it has been classified as a Variant of Uncertain Significance.